The following is an entry in ClinVar:

NM_001365088.1(SLC12A6):c.2387T>C (p.Ile796Thr)

Gene: SLC12A6 (solute carrier family 12 member 6; minus strand). Cytogenetic location: 15q14.
Variant type: single nucleotide variant.
Coding change: c.2387T>C on transcript NM_001365088.1 (MANE Select); coding-DNA position 2387, T replaced by C.
Protein change: p.Ile796Thr; replaces isoleucine 796 with threonine.
Molecular consequence: missense variant.
Genome position (GRCh38, 1-based): chr15:34,240,710, A>G on the plus strand (T>C on the coding strand, the complement: SLC12A6 is on the minus strand). VCF-style: chr15-34240710-A-G. GRCh37 (hg19) VCF-style: chr15-34532911-A-G.
Other names: c.2210T>C, p.Ile737Thr (NM_001042494.2, NM_001042495.2); c.2360T>C, p.Ile787Thr (NM_001042496.2); c.2342T>C, p.Ile781Thr (NM_001042497.2); c.2234T>C, p.Ile745Thr (NM_005135.2); c.2387T>C, p.Ile796Thr (NM_133647.2); short protein forms I737T, I781T, I787T, I745T, I796T.
Identifiers: ClinVar variation 2853061 (VCV002853061.3), dbSNP rs2509761389, ClinGen allele CA391619649.
Genomic context (GRCh38, chr15:34,240,710, plus strand): 5'-CTGACTCTTACCTGCTCAGCAGCTAAAGCTTCACCGTAGTTCTCTAGGAAGTTCCCCACG[A>G]TGACAGAGCCCACAATAGTGAGACCTTTTCCTGCTTTGAGCTGTGAGGCAAAGGTGAGGA-3'
Protein context (NP_001352017.1, residues 786-806): GKGLTIVGSV[Ile796Thr]VGNFLENYGE

ClinVar aggregate classification (germline): Uncertain significance (1 of 4 stars; one submission).

Submission:

Labcorp Genetics (formerly Invitae), Labcorp
Classification: Uncertain significance. Last evaluated: 2024-02-07. Review status: criteria provided, single submitter. Criteria: Invitae Variant Classification Sherloc (09022015). Collection method: clinical testing. Allele origin: germline.
Comment: This sequence change replaces isoleucine, which is neutral and non-polar, with threonine, which is neutral and polar, at codon 796 of the SLC12A6 protein (p.Ile796Thr). This variant is not present in population databases (gnomAD no frequency). This variant has not been reported in the literature in individuals affected with SLC12A6-related conditions. Advanced modeling of protein sequence and biophysical properties (such as structural, functional, and spatial information, amino acid conservation, physicochemical variation, residue mobility, and thermodynamic stability) has been performed at Invitae for this missense variant, however the output from this modeling did not meet the statistical confidence thresholds required to predict the impact of this variant on SLC12A6 protein function. In summary, the available evidence is currently insufficient to determine the role of this variant in disease. Therefore, it has been classified as a Variant of Uncertain Significance.